The following is an entry in ClinVar:

ClinVar aggregate classification (germline): Conflicting classifications of pathogenicity. Review status: criteria provided, conflicting classifications (1 of 4 stars). 6 submissions from 6 submitters: Uncertain significance (1); Likely benign (5). Last evaluated 2026-09-01.

Conditions:
Kabuki syndrome. Also called: NIIKAWA-KUROKI SYNDROME; Kabuki make-up syndrome. Identifiers: Orphanet 2322, MedGen C0796004, MONDO:0016512.

Submissions (6):

CeGaT Center for Human Genetics Tuebingen
Classification: Likely benign. Last evaluated: 2026-09-01. Review status: criteria provided, single submitter. Criteria: CeGaT Center For Human Genetics Tuebingen Variant Classification Criteria Version 2. Collection method: clinical testing. Allele origin: germline. Affected: yes. Observed: 2 variant alleles.
Comment: KMT2D: BS2

Labcorp Genetics (formerly Invitae), Labcorp
Classification: Likely benign for Kabuki syndrome. Last evaluated: 2025-11-10. Review status: criteria provided, single submitter. Criteria: Invitae Variant Classification Sherloc (09022015). Collection method: clinical testing. Allele origin: germline.

Laboratory of Genetics, Children's Clinical University Hospital Latvia
Classification: Likely benign. Last evaluated: 2025-02-16. Review status: criteria provided, single submitter. Criteria: ACMG Guidelines, 2015. Collection method: clinical testing. Allele origin: germline. Affected: yes.

Blueprint Genetics
Classification: Likely benign. Last evaluated: 2024-10-14. Review status: criteria provided, single submitter. Criteria: ACMG Guidelines, 2015. Collection method: clinical testing. Allele origin: germline.

GeneDx
Classification: Uncertain significance. Last evaluated: 2023-08-24. Review status: criteria provided, single submitter. Criteria: GeneDx Variant Classification Process June 2021. Collection method: clinical testing. Allele origin: germline. Affected: yes.
Comment: See Variant Classification Assertion Criteria.

Genetic Services Laboratory, University of Chicago
Classification: Likely benign. Last evaluated: 2013-02-08. Review status: criteria provided, single submitter. Criteria: ACMG Guidelines, 2007. Collection method: clinical testing. Allele origin: germline. Inheritance: Autosomal dominant inheritance.

NM_003482.4(KMT2D):c.2256_2282del (p.746RPEEPHLSP[1])

Gene: KMT2D (lysine methyltransferase 2D; minus strand). Cytogenetic location: 12q13.12.
Variant type: Deletion.
Coding change: c.2256_2282del on transcript NM_003482.4 (MANE Select); coding-DNA positions 2256 to 2282, 27 bases deleted (GTCCCCCCGGCCTGAGGAGCCACACCT).
Protein change: p.746RPEEPHLSP[1].
Molecular consequence: inframe deletion.
Genome position (GRCh38, 1-based): chr12:49,051,401-49,051,427, AGGTGTGGCTCCTCAGGCCGGGGGGAC deleted on the plus strand (GTCCCCCCGGCCTGAGGAGCCACACCT on the coding strand, the reverse complement: KMT2D is on the minus strand); deleting any 27 consecutive bases within chr12:49,051,401-49,051,432 gives the same sequence; the c. name uses the placement nearest the transcript's 3' end. VCF-style (leftmost placement, unchanged base first): chr12-49051400-TAGGTGTGGCTCCTCAGGCCGGGGGGAC-T. GRCh37 (hg19) VCF-style: chr12-49445183-TAGGTGTGGCTCCTCAGGCCGGGGGGAC-T.
Identifiers: ClinVar variation 158753 (VCV000158753.40), dbSNP rs587783707, ClinGen allele CA172421.